The following is an entry in ClinVar:

NM_001267550.2(TTN):c.79076T>C (p.Phe26359Ser)

Genes: TTN (titin; minus strand), TTN-AS1 (TTN antisense RNA 1; plus strand). Cytogenetic location: 2q31.2.
Variant type: single nucleotide variant.
Coding change: c.79076T>C on transcript NM_001267550.2 (MANE Select); coding-DNA position 79076, T replaced by C.
Protein change: p.Phe26359Ser; replaces phenylalanine 26359 with serine.
Molecular consequence: missense variant.
Genome position (GRCh38, 1-based): chr2:178,567,056, A>G on the plus strand (T>C on the coding strand, the complement: TTN is on the minus strand). VCF-style: chr2-178567056-A-G. GRCh37 (hg19) VCF-style: chr2-179431783-A-G.
Other names: c.74153T>C, p.Phe24718Ser (NM_001256850.1); c.51881T>C, p.Phe17294Ser (NM_003319.4); c.71372T>C, p.Phe23791Ser (NM_133378.4); c.52256T>C, p.Phe17419Ser (NM_133432.3); c.52457T>C, p.Phe17486Ser (NM_133437.4); short protein forms F17294S, F17419S, F17486S, F23791S, F24718S, F26359S.
Identifiers: ClinVar variation 2505058 (VCV002505058.1), dbSNP rs2468309314, ClinGen allele CA349599864.
Genomic context (GRCh38, chr2:178,567,056, plus strand): 5'-AGTACTGGTGCAGATTCCAAAGGCTCTCCAACACCATATTTGTTGACAGCCATTATACGG[A>G]AAACATATTCATTACCTTCTAAGAGTTTGGTAACTTTCAGAGAATTGGTCACAACTTCTG-3'
Protein context (NP_001254479.2, residues 26349-26369): TKLLEGNEYV[Phe26359Ser]RIMAVNKYGV

ClinVar aggregate classification (germline): Uncertain significance (1 of 4 stars; one submission).

Submission:

GeneDx
Classification: Uncertain significance. Last evaluated: 2022-12-09. Review status: criteria provided, single submitter. Criteria: GeneDx Variant Classification Process June 2021. Collection method: clinical testing. Allele origin: germline. Affected: yes.
Comment: Not observed at significant frequency in large population cohorts (gnomAD); Missense variant in a gene in which most reported pathogenic variants are truncating/loss of function; Has not been previously published as pathogenic or benign to our knowledge; Located in the A-band region of TTN in which the majority of loss of function variants have been associated with autosomal dominant titinopathies (Herman et al., 2012)